The following is an entry in ClinVar:

NM_000257.4(MYH7):c.1469A>G (p.Asn490Ser)

Gene: MYH7 (myosin heavy chain 7; minus strand). Cytogenetic location: 14q11.2.
Variant type: single nucleotide variant.
Coding change: c.1469A>G on transcript NM_000257.4 (MANE Select); coding-DNA position 1469, A replaced by G.
Protein change: p.Asn490Ser; replaces asparagine 490 with serine.
Molecular consequence: missense variant.
Genome position (GRCh38, 1-based): chr14:23,428,609, T>C on the plus strand (A>G on the coding strand, the complement: MYH7 is on the minus strand). VCF-style: chr14-23428609-T-C. GRCh37 (hg19) VCF-style: chr14-23897818-T-C.
Other names: short protein forms N490S.
Identifiers: ClinVar variation 1516271 (VCV001516271.9), dbSNP rs2138674215, ClinGen allele CA389050529.
Genomic context (GRCh38, chr14:23,428,609, plus strand): 5'-AATGTCCACTCGATGCCCTCCTTCTTGTACTCCTCCTGCTCCAGCACAAACATGTGGTGG[T>C]TGAAGAACTGCTGCAGCTTCTCGTTGGTGAAGTTGATGCAGAGCTGCTCAAAGCTGTTGA-3'
Protein context (NP_000248.2, residues 480-500): FTNEKLQQFF[Asn490Ser]HHMFVLEQEE

ClinVar aggregate classification (germline): Conflicting classifications of pathogenicity. Review status: criteria provided, conflicting classifications (1 of 4 stars). 2 submissions from 2 submitters: Likely pathogenic (1); Uncertain significance (1). Last evaluated 2025-08-04.

Conditions:
Hypertrophic cardiomyopathy 1 (CMH1). Also called: Familial hypertrophic cardiomyopathy 1; MYH7-Related Familial Hypertrophic Cardiomyopathy. Identifiers: MedGen C3495498, MONDO:0008647, OMIM 192600.
Hypertrophic cardiomyopathy. Also called: HYPERTROPHIC MYOCARDIOPATHY. Identifiers: Orphanet 217569, MedGen C0007194, MeSH D002312, MONDO:0005045, HP:0001639.

Submissions (2):

Institute of Human Genetics, University of Leipzig Medical Center
Classification: Uncertain significance for Hypertrophic cardiomyopathy 1. Last evaluated: 2025-08-04. Review status: criteria provided, single submitter. Criteria: ACMG Guidelines, 2015. Collection method: clinical testing. Allele origin: unknown. Inheritance: Autosomal dominant inheritance. Affected: yes.
Comment: Criteria applied: PM1,PM2_SUP,PP3

Labcorp Genetics (formerly Invitae), Labcorp
Classification: Likely pathogenic for Hypertrophic cardiomyopathy. Last evaluated: 2024-10-26. Review status: criteria provided, single submitter. Criteria: Invitae Variant Classification Sherloc (09022015). Collection method: clinical testing. Allele origin: germline.
Comment: This sequence change replaces asparagine, which is neutral and polar, with serine, which is neutral and polar, at codon 490 of the MYH7 protein (p.Asn490Ser). This variant is not present in population databases (gnomAD no frequency). This missense change has been observed in individuals with clinical features of hypertrophic cardiomyopathy (PMID: 37652022; internal data). ClinVar contains an entry for this variant (Variation ID: 1516271). Invitae Evidence Modeling of protein sequence and biophysical properties (such as structural, functional, and spatial information, amino acid conservation, physicochemical variation, residue mobility, and thermodynamic stability) indicates that this missense variant is expected to disrupt MYH7 protein function with a positive predictive value of 95%. In summary, the currently available evidence indicates that the variant is pathogenic, but additional data are needed to prove that conclusively. Therefore, this variant has been classified as Likely Pathogenic.

Literature cited by the submitters: PubMed 37652022 (cited by Labcorp Genetics (formerly Invitae), Labcorp).